The following is an entry in ClinVar:

ClinVar aggregate classification (germline): Uncertain significance. Review status: criteria provided, multiple submitters, no conflicts (2 of 4 stars). 5 submissions from 5 submitters: Uncertain significance (5). Last evaluated 2026-05-31.

Conditions:
MPZ-related disorder. Also called: MPZ-related condition; MPZ-related disorders.
Charcot-Marie-Tooth disease, type I (CMT1). Also called: Charcot-Marie-Tooth disease type 1; Charcot-Marie-Tooth, Type 1. Identifiers: Orphanet 65753, MedGen C0751036, MONDO:0019011.

Allele frequency attached by ClinVar (database versions not stated): gnomAD exomes 0.00005 and 0.00006; ExAC 0.00002; gnomAD 0.00002; TOPMed 0.00003.
gnomAD v4.1: 84 of 1,613,290 alleles (0.0052%); highest among the groups gnomAD compares: Non-Finnish European, 0.0064%; no homozygotes.

Submissions (5):

PreventionGenetics, part of Exact Sciences
Classification: Uncertain significance for MPZ-related condition. Last evaluated: 2026-05-31. Review status: criteria provided, single submitter. Criteria: ACMG Guidelines, 2015. Collection method: clinical testing. Allele origin: germline.
Comment: The MPZ c.731G>T variant is predicted to result in the amino acid substitution p.Arg244Leu. To our knowledge, this variant has not been reported in the literature. This variant is reported in 0.010% of alleles in individuals of European (non-Finnish) descent in gnomAD. At this time, the clinical significance of this variant is uncertain due to the absence of conclusive functional and genetic evidence.

Labcorp Genetics (formerly Invitae), Labcorp
Classification: Uncertain significance for Charcot-Marie-Tooth disease, type I. Last evaluated: 2025-08-18. Review status: criteria provided, single submitter. Criteria: Invitae Variant Classification Sherloc (09022015). Collection method: clinical testing. Allele origin: germline.
Comment: This sequence change replaces arginine, which is basic and polar, with leucine, which is neutral and non-polar, at codon 244 of the MPZ protein (p.Arg244Leu). This variant is present in population databases (rs749722729, gnomAD 0.01%). This variant has not been reported in the literature in individuals affected with MPZ-related conditions. ClinVar contains an entry for this variant (Variation ID: 234764). An algorithm developed to predict the effect of missense changes on protein structure and function (PolyPhen-2) suggests that this variant is likely to be tolerated. In summary, the available evidence is currently insufficient to determine the role of this variant in disease. Therefore, it has been classified as a Variant of Uncertain Significance.

Women's Health and Genetics/Laboratory Corporation of America, LabCorp
Classification: Uncertain significance. Last evaluated: 2025-01-07. Review status: criteria provided, single submitter. Criteria: LabCorp Variant Classification Summary - May 2015. Collection method: clinical testing. Allele origin: germline.
Comment: Variant summary: MPZ c.731G>T (p.Arg244Leu) results in a non-conservative amino acid change located in the Myelin-PO cytoplasmic C-term p65 binding region (IPR019566) of the encoded protein sequence. Five of five in-silico tools predict a damaging effect of the variant on protein function. The variant allele was found at a frequency of 5.2e-05 in 249674 control chromosomes. This frequency is not significantly higher than estimated for a pathogenic variant in MPZ causing Charcot-Marie-Tooth disease type 1B (5.2e-05 vs 0.0001), allowing no conclusion about variant significance. To our knowledge, no occurrence of c.731G>T in individuals affected with Charcot-Marie-Tooth disease type 1B and no experimental evidence demonstrating its impact on protein function have been reported. ClinVar contains an entry for this variant (Variation ID: 234764). Based on the evidence outlined above, the variant was classified as uncertain significance.

Blueprint Genetics
Classification: Uncertain significance. Last evaluated: 2023-04-05. Review status: criteria provided, single submitter. Criteria: ACMG Guidelines, 2015. Collection method: clinical testing. Allele origin: germline.

GeneDx
Classification: Uncertain significance. Last evaluated: 2018-02-26. Review status: criteria provided, single submitter. Criteria: GeneDx Variant Classification (06012015). Collection method: clinical testing. Allele origin: germline. Affected: yes.
Comment: The R244L variant in the MPZ gene has been reported previously in an unaffected relative in a studyof inherited neuropathy patients (Bort et al., 1997). The R244L variant was not observed inapproximately 6,500 individuals of European and African American ancestry in the NHLBI ExomeSequencing Project, indicating it is not a common benign variant in these populations. The R244Lvariant is a non-conservative amino acid substitution, which is likely to impact secondary proteinstructure as these residues differ in polarity, charge, size and/or other properties. This substitutionoccurs at a position that is conserved across species. In silico analysis predicts this variant is probablydamaging to the protein structure/function. We interpret R244L as a variant of uncertain significance

NM_000530.8(MPZ):c.731G>T (p.Arg244Leu)

Gene: MPZ (myelin protein zero; minus strand). Cytogenetic location: 1q23.3.
Variant type: single nucleotide variant.
Coding change: c.731G>T on transcript NM_000530.8 (MANE Select); coding-DNA position 731, G replaced by T.
Protein change: p.Arg244Leu; replaces arginine 244 with leucine.
Molecular consequence: missense variant.
Genome position (GRCh38, 1-based): chr1:161,305,892, C>A on the plus strand (G>T on the coding strand, the complement: MPZ is on the minus strand). VCF-style: chr1-161305892-C-A. GRCh37 (hg19) VCF-style: chr1-161275682-C-A.
Other names: c.731G>T, p.Arg244Leu (NM_001315491.2); c.731G>T (NM_000530.7, LRG_256t1); short protein forms R244L.
Identifiers: ClinVar variation 234764 (VCV000234764.15), dbSNP rs749722729, ClinGen allele CA1210056.
Genomic context (GRCh38, chr1:161,305,892, plus strand): 5'-GACTCCACCCCTAACCCCCGATCCCCCGCCCGGCCCGCTAACCGCTATTTCTTATCCTTG[C>A]GAGACTCCCCCAGCCCCTTGGCCTTCTTCTCACTGACAGCTTTGGTGCTTCTGCTGTGGT-3'
Protein context (NP_000521.2, residues 234-248): EKKAKGLGES[Arg244Leu]KDKK